The following is an entry in ClinVar:

ClinVar aggregate classification (germline): Uncertain significance. Review status: criteria provided, multiple submitters, no conflicts (2 of 4 stars). 2 submissions from 2 submitters: Uncertain significance (2). Last evaluated 2026-01-06.

Allele frequency attached by ClinVar (database versions not stated): ExAC 0.00002; gnomAD exomes 0.00002 and 0.00003; TOPMed 0.00002; gnomAD 0.00004.
gnomAD v4.1: 46 of 1,614,046 alleles (0.0028%); highest among the groups gnomAD compares: African/African-American, 0.0053%; no homozygotes.

Submissions (2):

Labcorp Genetics (formerly Invitae), Labcorp
Classification: Uncertain significance. Last evaluated: 2026-01-06. Review status: criteria provided, single submitter. Criteria: Invitae Variant Classification Sherloc (09022015). Collection method: clinical testing. Allele origin: germline.
Comment: This sequence change replaces arginine, which is basic and polar, with cysteine, which is neutral and slightly polar, at codon 624 of the MTOR protein (p.Arg624Cys). This variant is present in population databases (rs780398729, gnomAD 0.008%). This variant has not been reported in the literature in individuals affected with MTOR-related conditions. ClinVar contains an entry for this variant (Variation ID: 934667). Invitae Evidence Modeling of protein sequence and biophysical properties (such as structural, functional, and spatial information, amino acid conservation, physicochemical variation, residue mobility, and thermodynamic stability) indicates that this missense variant is not expected to disrupt MTOR protein function with a negative predictive value of 95%. In summary, the available evidence is currently insufficient to determine the role of this variant in disease. Therefore, it has been classified as a Variant of Uncertain Significance.

Women's Health and Genetics/Laboratory Corporation of America, LabCorp
Classification: Uncertain significance. Last evaluated: 2024-01-04. Review status: criteria provided, single submitter. Criteria: LabCorp Variant Classification Summary - May 2015. Collection method: clinical testing. Allele origin: germline.
Comment: Variant summary: MTOR c.1870C>T (p.Arg624Cys) results in a non-conservative amino acid change in the encoded protein sequence. Three of five in-silico tools predict a damaging effect of the variant on protein function. The variant allele was found at a frequency of 1.6e-05 in 251426 control chromosomes (gnomAD). The available data on variant occurrences in the general population are insufficient to allow any conclusion about variant significance. To our knowledge, no occurrence of c.1870C>T in individuals affected with Smith-Kingsmore Syndrome and no experimental evidence demonstrating its impact on protein function have been reported. One submitter has cited a clinical-significance assessment for this variant to ClinVar after 2014 and has classified the variant as uncertain significance. Based on the evidence outlined above, the variant was classified as uncertain significance.

NM_004958.4(MTOR):c.1870C>T (p.Arg624Cys)

Gene: MTOR (mechanistic target of rapamycin kinase; minus strand). Cytogenetic location: 1p36.22.
Variant type: single nucleotide variant.
Coding change: c.1870C>T on transcript NM_004958.4 (MANE Select); coding-DNA position 1870, C replaced by T.
Protein change: p.Arg624Cys; replaces arginine 624 with cysteine.
Molecular consequence: missense variant.
Genome position (GRCh38, 1-based): chr1:11,238,534, G>A on the plus strand (C>T on the coding strand, the complement: MTOR is on the minus strand). VCF-style: chr1-11238534-G-A. GRCh37 (hg19) VCF-style: chr1-11298591-G-A.
Other names: short protein forms R624C.
Identifiers: ClinVar variation 934667 (VCV000934667.10), dbSNP rs780398729, ClinGen allele CA590620.